The following is an entry in ClinVar:

ClinVar aggregate classification (germline): Conflicting classifications of pathogenicity. Review status: criteria provided, conflicting classifications (1 of 4 stars). 8 submissions from 8 submitters: Uncertain significance (5); Likely benign (3). Last evaluated 2025-09-20.

Conditions:
Hereditary cancer-predisposing syndrome. Also called: Tumor predisposition; Hereditary neoplastic syndrome; Hereditary Cancer Syndrome; Neoplastic Syndromes, Hereditary. Identifiers: Orphanet 140162, MedGen C0027672, MeSH D009386, MONDO:0015356.
Hereditary breast ovarian cancer syndrome. Also called: Hereditary breast and ovarian cancer; Hereditary breast and/or ovarian cancer syndrome; BRCA1- and BRCA2-Associated Hereditary Breast and Ovarian Cancer; Hereditary breast and ovarian cancer syndrome (HBOC); Hereditary breast and ovarian cancer syndrome; Breast and ovarian cancer. Identifiers: Orphanet 145, MedGen C0677776, MeSH D061325, MONDO:0003582. Disease mechanism: loss of function.
Breast-ovarian cancer, familial, susceptibility to, 2 (BROVCA2). Also called: BRCA2 Hereditary Breast and Ovarian Cancer. Identifiers: Orphanet 145, MedGen C2675520, MONDO:0012933, OMIM 612555. Disease mechanism: loss of function.

Submissions (8):

Labcorp Genetics (formerly Invitae), Labcorp
Classification: Uncertain significance for Hereditary breast ovarian cancer syndrome. Last evaluated: 2025-09-20. Review status: criteria provided, single submitter. Criteria: Invitae Variant Classification Sherloc (09022015). Collection method: clinical testing. Allele origin: germline.
Comment: This sequence change replaces valine, which is neutral and non-polar, with isoleucine, which is neutral and non-polar, at codon 875 of the BRCA2 protein (p.Val875Ile). This variant is not present in population databases (gnomAD no frequency). This variant has not been reported in the literature in individuals affected with BRCA2-related conditions. ClinVar contains an entry for this variant (Variation ID: 142606). Invitae Evidence Modeling of protein sequence and biophysical properties (such as structural, functional, and spatial information, amino acid conservation, physicochemical variation, residue mobility, and thermodynamic stability) indicates that this missense variant is not expected to disrupt BRCA2 protein function with a negative predictive value of 95%. In summary, the available evidence is currently insufficient to determine the role of this variant in disease. Therefore, it has been classified as a Variant of Uncertain Significance.

Ambry Genetics
Classification: Likely benign for Hereditary cancer-predisposing syndrome. Last evaluated: 2025-07-17. Review status: criteria provided, single submitter. Criteria: Ambry Variant Classification Scheme 2023. Collection method: clinical testing. Allele origin: germline.

All of Us Research Program, National Institutes of Health
Classification: Uncertain significance for Breast-ovarian cancer, familial, susceptibility to, 2. Last evaluated: 2023-11-20. Review status: criteria provided, single submitter. Criteria: ACMG Guidelines, 2015. Collection method: clinical testing. Allele origin: germline. Inheritance: Autosomal dominant inheritance. Observed: 1 variant allele, 1 heterozygote.
Comment: This missense variant replaces valine with isoleucine at codon 875 of the BRCA2 protein. Computational prediction suggests that this variant may not impact protein structure and function (internally defined REVEL score threshold <= 0.5, PMID: 27666373). To our knowledge, functional studies have not been reported for this variant. This variant has not been reported in individuals affected with BRCA2-related disorders in the literature. This variant has not been identified in the general population by the Genome Aggregation Database (gnomAD). The available evidence is insufficient to determine the role of this variant in disease conclusively. Therefore, this variant is classified as a Variant of Uncertain Significance.

This study involves interpretation of variants in research participants for the purpose of population health screening. Participant phenotype was not available at the time of variant classification. Additional details can be found in publication PMID: 35346344, PMCID: PMC8962531

Color Diagnostics, LLC DBA Color Health
Classification: Uncertain significance for Hereditary cancer-predisposing syndrome. Last evaluated: 2023-10-25. Review status: criteria provided, single submitter. Criteria: ACMG Guidelines, 2015. Collection method: clinical testing. Allele origin: germline.
Comment: This missense variant replaces valine with isoleucine at codon 875 of the BRCA2 protein. Computational prediction suggests that this variant may not impact protein structure and function (internally defined REVEL score threshold <= 0.5, PMID: 27666373). To our knowledge, functional studies have not been reported for this variant. This variant has not been reported in individuals affected with BRCA2-related disorders in the literature. This variant has not been identified in the general population by the Genome Aggregation Database (gnomAD). The available evidence is insufficient to determine the role of this variant in disease conclusively. Therefore, this variant is classified as a Variant of Uncertain Significance.

Neuberg Centre For Genomic Medicine, NCGM
Classification: Uncertain significance for Breast-ovarian cancer, familial, susceptibility to, 2. Last evaluated: 2023-05-20. Review status: criteria provided, single submitter. Criteria: ACMG Guidelines, 2015. Collection method: clinical testing. Allele origin: germline. Inheritance: Autosomal dominant inheritance. Affected: yes.
Comment: The observed missense c.2623G>A (p.Val875Ile) variant in BRCA2 gene has not been reported previously as a pathogenic variant nor as a benign variant, to our knowledge. The p.Val875Ile variant is absent in gnomAD Exomes. This variant has been submitted to the ClinVar database as Likely Benign/ Uncertain Significance (multiple submissions). Multiple lines of computational evidence (SIFT - Tolerated and MutationTaster - Polymorphism) predict no damaging effect on protein structure and function for this variant. The reference amino acid of p.Val875Ile in BRCA2 is predicted as conserved by GERP++. The amino acid Val at position 875 is changed to a Ile changing protein sequence and it might alter its composition and physico-chemical properties. For these reasons, this variant has been classified as a Variant of Uncertain Significance (VUS).

University of Washington Department of Laboratory Medicine, University of Washington
Classification: Likely benign for Hereditary cancer-predisposing syndrome. Last evaluated: 2023-03-23. Review status: criteria provided, single submitter. Criteria: Dines et al. (Genet Med. 2020). Collection method: curation. Allele origin: germline.
Comment: Missense variant in a coldspot region where missense variants are very unlikely to be pathogenic (PMID:31911673).

BRCA2 exon 11 coldspot. Reclassification based on statistical prior probability.

Quest Diagnostics Nichols Institute San Juan Capistrano
Classification: Uncertain significance. Last evaluated: 2020-10-22. Review status: criteria provided, single submitter. Criteria: Quest Diagnostics criteria. Collection method: clinical testing. Allele origin: unknown.

CeGaT Center for Human Genetics Tuebingen
Classification: Likely benign. Last evaluated: 2017-06-01. Review status: criteria provided, single submitter. Criteria: CeGaT Center For Human Genetics Tuebingen Variant Classification Criteria Version 2. Collection method: clinical testing. Allele origin: germline. Affected: yes. Observed: 1 variant allele.

NM_000059.4(BRCA2):c.2623G>A (p.Val875Ile)

Gene: BRCA2 (BRCA2 DNA repair associated; plus strand). Cytogenetic location: 13q13.1.
Variant type: single nucleotide variant.
Coding change: c.2623G>A on transcript NM_000059.4 (MANE Select); coding-DNA position 2623, G replaced by A.
Protein change: p.Val875Ile; replaces valine 875 with isoleucine.
Molecular consequence: missense variant.
Genome position (GRCh38, 1-based): chr13:32,336,978, G>A. VCF-style: chr13-32336978-G-A. GRCh37 (hg19) VCF-style: chr13-32911115-G-A.
Other names: short protein forms V875I.
Identifiers: ClinVar variation 142606 (VCV000142606.67), dbSNP rs587782582, ClinGen allele CA015888.